The following is an entry in ClinVar:

ClinVar aggregate classification (germline): Uncertain significance (1 of 4 stars; one submission).

gnomAD v4.1: 5 of 1,613,968 alleles (0.00031%); highest among the groups gnomAD compares: South Asian, 0.0033%; no homozygotes.

Submission:

Labcorp Genetics (formerly Invitae), Labcorp
Classification: Uncertain significance. Last evaluated: 2024-06-06. Review status: criteria provided, single submitter. Criteria: Invitae Variant Classification Sherloc (09022015). Collection method: clinical testing. Allele origin: germline.
Comment: This sequence change replaces serine, which is neutral and polar, with phenylalanine, which is neutral and non-polar, at codon 452 of the TAOK2 protein (p.Ser452Phe). This variant is not present in population databases (gnomAD no frequency). This variant has not been reported in the literature in individuals affected with TAOK2-related conditions. An algorithm developed to predict the effect of missense changes on protein structure and function (PolyPhen-2) suggests that this variant is likely to be disruptive. In summary, the available evidence is currently insufficient to determine the role of this variant in disease. Therefore, it has been classified as a Variant of Uncertain Significance.

NM_016151.4(TAOK2):c.1355C>T (p.Ser452Phe)

Gene: TAOK2 (TAO kinase 2; plus strand). Cytogenetic location: 16p11.2.
Variant type: single nucleotide variant.
Coding change: c.1355C>T on transcript NM_016151.4 (MANE Select); coding-DNA position 1355, C replaced by T.
Protein change: p.Ser452Phe; replaces serine 452 with phenylalanine.
Molecular consequence: missense variant.
Genome position (GRCh38, 1-based): chr16:29,983,597, C>T. VCF-style: chr16-29983597-C-T. GRCh37 (hg19) VCF-style: chr16-29994918-C-T.
Other names: c.1355C>T, p.Ser452Phe (NM_001252043.2, NM_004783.4); short protein forms S452F.
Identifiers: ClinVar variation 3655821 (VCV003655821.2).